The following is an entry in ClinVar:

NM_004369.4(COL6A3):c.5786C>A (p.Thr1929Asn)

Gene: COL6A3 (collagen type VI alpha 3 chain; minus strand). Cytogenetic location: 2q37.3.
Variant type: single nucleotide variant.
Coding change: c.5786C>A on transcript NM_004369.4 (MANE Select); coding-DNA position 5786, C replaced by A.
Protein change: p.Thr1929Asn; replaces threonine 1929 with asparagine.
Molecular consequence: missense variant.
Genome position (GRCh38, 1-based): chr2:237,365,750, G>T on the plus strand (C>A on the coding strand, the complement: COL6A3 is on the minus strand). VCF-style: chr2-237365750-G-T. GRCh37 (hg19) VCF-style: chr2-238274393-G-T.
Other names: c.3965C>A, p.Thr1322Asn (NM_057166.5); c.5168C>A, p.Thr1723Asn (NM_057167.4); short protein forms T1929N, T1322N, T1723N.
Identifiers: ClinVar variation 3610985 (VCV003610985.2).
Genomic context (GRCh38, chr2:237,365,750, plus strand): 5'-CCACAGACCTTCACGCTGTCCGGCGAGGACTGTCTGAACTTGTTCAGGTAGACCTTCAGG[G>T]TGTCCTCCGTGAGGACGTAGGGGTGCTGGCTGCGCATGTTCCGGAACTTCTCGAGCATCT-3'
Protein context (NP_004360.2, residues 1919-1939): SQHPYVLTED[Thr1929Asn]LKVYLNKFRQ

ClinVar aggregate classification (germline): Uncertain significance (1 of 4 stars; one submission).

Conditions:
Bethlem myopathy 1A. Also called: Bethlem myopathy 1; MYOPATHY, BENIGN CONGENITAL, WITH CONTRACTURES; Bethlem Muscular Dystrophy. Identifiers: Orphanet 610, MedGen CN029274, MONDO:0024530, OMIM 158810.

gnomAD v4.1: 1 of 1,614,198 alleles (0.000062%); highest among the groups gnomAD compares: Non-Finnish European, 0.000085%; no homozygotes.

Submission:

Labcorp Genetics (formerly Invitae), Labcorp
Classification: Uncertain significance for Bethlem myopathy 1A. Last evaluated: 2024-06-16. Review status: criteria provided, single submitter. Criteria: Invitae Variant Classification Sherloc (09022015). Collection method: clinical testing. Allele origin: germline.
Comment: This sequence change replaces threonine, which is neutral and polar, with asparagine, which is neutral and polar, at codon 1929 of the COL6A3 protein (p.Thr1929Asn). This variant is not present in population databases (gnomAD no frequency). This variant has not been reported in the literature in individuals affected with COL6A3-related conditions. Advanced modeling of protein sequence and biophysical properties (such as structural, functional, and spatial information, amino acid conservation, physicochemical variation, residue mobility, and thermodynamic stability) performed at Invitae indicates that this missense variant is expected to disrupt COL6A3 protein function with a positive predictive value of 80%. In summary, the available evidence is currently insufficient to determine the role of this variant in disease. Therefore, it has been classified as a Variant of Uncertain Significance.